The following is an entry in ClinVar:

ClinVar aggregate classification (germline): Uncertain significance. Review status: criteria provided, multiple submitters, no conflicts (2 of 4 stars). 4 submissions from 4 submitters: Uncertain significance (4). Last evaluated 2025-11-12.

Conditions:
Inborn genetic diseases. Identifiers: MedGen C0950123, MeSH D030342.
Charcot-Marie-Tooth disease axonal type 2S. Also called: CHARCOT-MARIE-TOOTH DISEASE, AXONAL, AUTOSOMAL RECESSIVE, TYPE 2S; CHARCOT-MARIE-TOOTH NEUROPATHY, TYPE 2S. Identifiers: Orphanet 443073, MedGen C4015349, MONDO:0014511, OMIM 616155.
Autosomal recessive distal spinal muscular atrophy 1. Also called: NEURONOPATHY, DISTAL HEREDITARY MOTOR, HARDING TYPE VI; NEUROPATHY, DISTAL HEREDITARY MOTOR, AUTOSOMAL RECESSIVE 1; HMN VI; NEURONOPATHY, SEVERE INFANTILE AXONAL, WITH RESPIRATORY FAILURE; SEVERE INFANTILE AXONAL NEUROPATHY WITH RESPIRATORY FAILURE; SPINAL MUSCULAR ATROPHY, DIAPHRAGMATIC. Identifiers: Orphanet 98920, MedGen C1858517, MONDO:0011436, OMIM 604320.

Allele frequency attached by ClinVar (database versions not stated): gnomAD exomes 0.00002 and 0.00005; TOPMed 0.00002; ExAC 0.00003; gnomAD 0.00004.
gnomAD v4.1: 84 of 1,608,382 alleles (0.0052%); highest among the groups gnomAD compares: Non-Finnish European, 0.0063%; no homozygotes.

Submissions (4):

Labcorp Genetics (formerly Invitae), Labcorp
Classification: Uncertain significance for Autosomal recessive distal spinal muscular atrophy 1; Charcot-Marie-Tooth disease axonal type 2S. Last evaluated: 2025-11-12. Review status: criteria provided, single submitter. Criteria: Invitae Variant Classification Sherloc (09022015). Collection method: clinical testing. Allele origin: germline.
Comment: This sequence change replaces arginine, which is basic and polar, with cysteine, which is neutral and slightly polar, at codon 516 of the IGHMBP2 protein (p.Arg516Cys). This variant is present in population databases (rs757425203, gnomAD 0.004%). This variant has not been reported in the literature in individuals affected with IGHMBP2-related conditions. ClinVar contains an entry for this variant (Variation ID: 193854). Invitae Evidence Modeling of protein sequence and biophysical properties (such as structural, functional, and spatial information, amino acid conservation, physicochemical variation, residue mobility, and thermodynamic stability) has been performed for this missense variant. However, the output from this modeling did not meet the statistical confidence thresholds required to predict the impact of this variant on IGHMBP2 protein function. In summary, the available evidence is currently insufficient to determine the role of this variant in disease. Therefore, it has been classified as a Variant of Uncertain Significance.

Ambry Genetics
Classification: Uncertain significance for Inborn genetic diseases. Last evaluated: 2025-09-28. Review status: criteria provided, single submitter. Criteria: Ambry Variant Classification Scheme 2023. Collection method: clinical testing. Allele origin: germline.

CeGaT Center for Human Genetics Tuebingen
Classification: Uncertain significance. Last evaluated: 2023-03-01. Review status: criteria provided, single submitter. Criteria: CeGaT Center For Human Genetics Tuebingen Variant Classification Criteria Version 2. Collection method: clinical testing. Allele origin: germline. Affected: yes. Observed: 1 variant allele.
Comment: IGHMBP2: PM2

Eurofins Ntd Llc (ga)
Classification: Uncertain significance. Last evaluated: 2014-11-17. Review status: criteria provided, single submitter. Criteria: EGL Classification Definitions 2015. Collection method: clinical testing. Allele origin: germline. Observed: 1 variant allele, 1 heterozygote.

NM_002180.3(IGHMBP2):c.1546C>T (p.Arg516Cys)

Genes: IGHMBP2 (immunoglobulin mu DNA binding protein 2; plus strand), LOC126861245 (CDK7 strongly-dependent group 2 enhancer GRCh37_chr11:68701479-68702678; plus strand). Cytogenetic location: 11q13.3.
Variant type: single nucleotide variant.
Coding change: c.1546C>T on transcript NM_002180.3 (MANE Select); coding-DNA position 1546, C replaced by T.
Protein change: p.Arg516Cys; replaces arginine 516 with cysteine.
Molecular consequence: missense variant.
Genome position (GRCh38, 1-based): chr11:68,934,472, C>T. VCF-style: chr11-68934472-C-T. GRCh37 (hg19) VCF-style: chr11-68701940-C-T.
Other names: short protein forms R516C.
Identifiers: ClinVar variation 193854 (VCV000193854.43), dbSNP rs757425203, ClinGen allele CA239529.